The following is an entry in ClinVar:

NM_000152.5(GAA):c.2647-27C>T

Gene: GAA (alpha glucosidase; plus strand). Cytogenetic location: 17q25.3.
Variant type: single nucleotide variant.
Coding change: c.2647-27C>T on transcript NM_000152.5 (MANE Select); 27 bases into the intron before coding-DNA position 2647, C replaced by T.
Molecular consequence: intron variant.
Genome position (GRCh38, 1-based): chr17:80,118,626, C>T. VCF-style: chr17-80118626-C-T. GRCh37 (hg19) VCF-style: chr17-78092425-C-T.
Other names: c.2647-27C>T (NM_001406741.1, NM_001406742.1, NM_001079803.3 and 1 more transcripts).
Identifiers: ClinVar variation 3029652 (VCV003029652.2), dbSNP rs2510403962, ClinGen allele CA2740093944.
Genomic context (GRCh38, chr17:80,118,626, plus strand): 5'-GTCCCTGTTCTCATGGGTGTTCCTGCCCCAGCTGTCTGCTGACACCTCCACATTCTCTGC[C>T]TTTTCATCTCTCTCTGCTCGGCCCAGAACACGATCGTGAATGAGCTGGTACGTGTGACCA-3'

ClinVar aggregate classification (germline): Likely benign (0 of 4 stars; one submission).

Conditions:
GAA-related disorder. Also called: GAA-related condition.

Submission:

PreventionGenetics, part of Exact Sciences
Classification: Likely benign for GAA-related condition. Last evaluated: 2023-03-10. Review status: no assertion criteria provided. Collection method: clinical testing. Allele origin: germline.
Comment: This variant is classified as likely benign based on ACMG/AMP sequence variant interpretation guidelines (Richards et al. 2015 PMID: 25741868, with internal and published modifications).